The following is an entry in ClinVar:

ClinVar aggregate classification (germline): Uncertain significance (1 of 4 stars; one submission).

Allele frequency attached by ClinVar (database versions not stated): ExAC 0.00001; gnomAD 0.00001; gnomAD exomes 0.00001; TOPMed 0.00005; ESP Exome Variant Server 0.00008.
gnomAD v4.1: 20 of 1,614,056 alleles (0.0012%); highest among the groups gnomAD compares: Admixed American, 0.01%; no homozygotes.

Submission:

Labcorp Genetics (formerly Invitae), Labcorp
Classification: Uncertain significance. Last evaluated: 2025-10-08. Review status: criteria provided, single submitter. Criteria: Invitae Variant Classification Sherloc (09022015). Collection method: clinical testing. Allele origin: germline.
Comment: This sequence change creates a premature translational stop signal (p.Arg164*) in the ANKZF1 gene. It is expected to result in an absent or disrupted protein product. However, the current clinical and genetic evidence is not sufficient to establish whether loss-of-function variants in ANKZF1 cause disease. This variant is present in population databases (rs370400955, gnomAD 0.009%). This variant has not been reported in the literature in individuals affected with ANKZF1-related conditions. ClinVar contains an entry for this variant (Variation ID: 2420054). Algorithms developed to predict the effect of sequence changes on RNA splicing suggest that this variant may disrupt the consensus splice site. In summary, the available evidence is currently insufficient to determine the role of this variant in disease. Therefore, it has been classified as a Variant of Uncertain Significance.

NM_018089.3(ANKZF1):c.490C>T (p.Arg164Ter)

Gene: ANKZF1 (ankyrin repeat and zinc finger peptidyl tRNA hydrolase 1; plus strand). Cytogenetic location: 2q35.
Variant type: single nucleotide variant.
Coding change: c.490C>T on transcript NM_018089.3 (MANE Select); coding-DNA position 490, C replaced by T.
Protein change: p.Arg164Ter; replaces arginine 164 with a stop codon.
Molecular consequence: nonsense. On other transcripts: 5 prime UTR variant (1).
Genome position (GRCh38, 1-based): chr2:219,232,615, C>T. VCF-style: chr2-219232615-C-T. GRCh37 (hg19) VCF-style: chr2-220097337-C-T.
Other names: c.490C>T, p.Arg164Ter (NM_001042410.2); c.-141C>T (NM_001282792.2); short protein forms R164*.
Identifiers: ClinVar variation 2420054 (VCV002420054.5), dbSNP rs370400955, ClinGen allele CA2120763.